The following is an entry in ClinVar:

NM_030665.4(RAI1):c.4397G>A (p.Arg1466Gln)

Gene: RAI1 (retinoic acid induced 1; plus strand). Cytogenetic location: 17p11.2.
Variant type: single nucleotide variant.
Coding change: c.4397G>A on transcript NM_030665.4 (MANE Select); coding-DNA position 4397, G replaced by A.
Protein change: p.Arg1466Gln; replaces arginine 1466 with glutamine.
Molecular consequence: missense variant.
Genome position (GRCh38, 1-based): chr17:17,797,345, G>A. VCF-style: chr17-17797345-G-A. GRCh37 (hg19) VCF-style: chr17-17700659-G-A.
Other names: short protein forms R1466Q.
Identifiers: ClinVar variation 1200053 (VCV001200053.13), dbSNP rs369962661, ClinGen allele CA8418954.

ClinVar aggregate classification (germline): Conflicting classifications of pathogenicity. Review status: criteria provided, conflicting classifications (1 of 4 stars). 4 submissions from 4 submitters: Uncertain significance (1); Benign (1); Likely benign (2). Last evaluated 2026-07-15.

Conditions:
RAI1-related disorder. Also called: RAI1-related condition.
Inborn genetic diseases. Identifiers: MedGen C0950123, MeSH D030342.

Allele frequency attached by ClinVar (database versions not stated): ExAC 0.00001; gnomAD exomes 0.00001; TOPMed 0.00001; gnomAD 0.00002; ESP Exome Variant Server 0.00008.
gnomAD v4.1: 21 of 1,612,198 alleles (0.0013%); highest among the groups gnomAD compares: Middle Eastern, 0.017%; no homozygotes.

Submissions (4):

PreventionGenetics, part of Exact Sciences
Classification: Uncertain significance for RAI1-related condition. Last evaluated: 2026-07-15. Review status: criteria provided, single submitter. Criteria: ACMG Guidelines, 2015. Collection method: clinical testing. Allele origin: germline.
Comment: The RAI1 c.4397G>A variant is predicted to result in the amino acid substitution p.Arg1466Gln. To our knowledge, this variant has not been reported in the literature. This variant is reported in 0.0067% of alleles in individuals of African descent in gnomAD. At this time, the clinical significance of this variant is uncertain due to the absence of conclusive functional and genetic evidence.

Labcorp Genetics (formerly Invitae), Labcorp
Classification: Benign. Last evaluated: 2025-11-23. Review status: criteria provided, single submitter. Criteria: Invitae Variant Classification Sherloc (09022015). Collection method: clinical testing. Allele origin: germline.

Ambry Genetics
Classification: Likely benign for Inborn genetic diseases. Last evaluated: 2025-03-31. Review status: criteria provided, single submitter. Criteria: Ambry Variant Classification Scheme 2023. Collection method: clinical testing. Allele origin: germline.

GeneDx
Classification: Likely benign. Last evaluated: 2020-07-10. Review status: criteria provided, single submitter. Criteria: GeneDx Variant Classification Process June 2021. Collection method: clinical testing. Allele origin: germline. Affected: yes.